The following is an entry in ClinVar:

ClinVar aggregate classification (germline): Uncertain significance (1 of 4 stars; one submission).

Allele frequency attached by ClinVar (database versions not stated): gnomAD exomes below 0.00001; gnomAD 0.00001; TOPMed 0.00001.
gnomAD v4.1: 7 of 1,613,612 alleles (0.00043%); highest among the groups gnomAD compares: Non-Finnish European, 0.00051%; no homozygotes.

Submission:

Labcorp Genetics (formerly Invitae), Labcorp
Classification: Uncertain significance. Last evaluated: 2022-10-27. Review status: criteria provided, single submitter. Criteria: Invitae Variant Classification Sherloc (09022015). Collection method: clinical testing. Allele origin: germline.
Comment: Algorithms developed to predict the effect of missense changes on protein structure and function (SIFT, PolyPhen-2, Align-GVGD) all suggest that this variant is likely to be disruptive. In summary, the available evidence is currently insufficient to determine the role of this variant in disease. Therefore, it has been classified as a Variant of Uncertain Significance. This sequence change replaces asparagine, which is neutral and polar, with threonine, which is neutral and polar, at codon 636 of the IMPG1 protein (p.Asn636Thr). This variant is not present in population databases (gnomAD no frequency). This variant has not been reported in the literature in individuals affected with IMPG1-related conditions.

NM_001563.4(IMPG1):c.1907A>C (p.Asn636Thr)

Gene: IMPG1 (interphotoreceptor matrix proteoglycan 1; minus strand). Cytogenetic location: 6q14.1.
Variant type: single nucleotide variant.
Coding change: c.1907A>C on transcript NM_001563.4 (MANE Select); coding-DNA position 1907, A replaced by C.
Protein change: p.Asn636Thr; replaces asparagine 636 with threonine.
Molecular consequence: missense variant.
Genome position (GRCh38, 1-based): chr6:75,947,451, T>G on the plus strand (A>C on the coding strand, the complement: IMPG1 is on the minus strand). VCF-style: chr6-75947451-T-G. GRCh37 (hg19) VCF-style: chr6-76657168-T-G.
Other names: c.1673A>C, p.Asn558Thr (NM_001282368.2); short protein forms N636T, N558T.
Identifiers: ClinVar variation 2985943 (VCV002985943.3), dbSNP rs1037821641, ClinGen allele CA141080933.